The following is an entry in ClinVar:

ClinVar aggregate classification (germline): Likely benign (1 of 4 stars; one submission).

Allele frequency attached by ClinVar (database versions not stated): gnomAD exomes 0.00057; ExAC 0.00090; ESP Exome Variant Server 0.00123; 1000 Genomes Project 0.00180; 1000 Genomes Project 30x 0.00359.

Submission:

CeGaT Center for Human Genetics Tuebingen
Classification: Likely benign. Last evaluated: 2022-04-01. Review status: criteria provided, single submitter. Criteria: CeGaT Center For Human Genetics Tuebingen Variant Classification Criteria Version 2. Collection method: clinical testing. Allele origin: germline. Affected: yes. Observed: 1 variant allele.
Comment: GATD3: BP4, BP7

NM_004649.8(GATD3):c.66C>G (p.Ser22=)

Gene: GATD3 (glutamine amidotransferase class 1 domain containing 3; plus strand). Cytogenetic location: 21q22.3.
Variant type: single nucleotide variant.
Coding change: c.66C>G on transcript NM_004649.8 (MANE Select); coding-DNA position 66, C replaced by G.
Protein change: p.Ser22=; no amino-acid change (serine 22 retained).
Molecular consequence: synonymous variant. On other transcripts: non-coding transcript variant (1).
Genome position (GRCh38, 1-based): chr21:44,133,763, C>G. VCF-style: chr21-44133763-C-G. GRCh37 (hg19) VCF-style: chr21-45553645-C-G.
Other names: c.66C>G, p.Ser22= (NM_001320383.2, NM_001320384.2, NM_198155.5).
Identifiers: ClinVar variation 2652731 (VCV002652731.24), dbSNP rs150960051, ClinGen allele CA321449336.